The following is an entry in ClinVar:

ClinVar aggregate classification (germline): Likely benign. Review status: criteria provided, multiple submitters, no conflicts (2 of 4 stars). 3 submissions from 3 submitters: Likely benign (3). Last evaluated 2025-05-19.

Conditions:
Tuberous sclerosis syndrome (TSC). Also called: Tuberous Sclerosis Complex; Tuberous sclerosis. Identifiers: Orphanet 805, MedGen C0041341, MONDO:0001734.
Tuberous sclerosis 2 (TSC2). Identifiers: Orphanet 805, MedGen C1860707, MONDO:0013199, OMIM 613254.

Allele frequency attached by ClinVar (database versions not stated): TOPMed below 0.00001; gnomAD 0.00001.
gnomAD v4.1: 4 of 1,613,334 alleles (0.00025%); highest among the groups gnomAD compares: African/African-American, 0.004%; no homozygotes.

Submissions (3):

Myriad Genetics, Inc.
Classification: Likely benign for Tuberous sclerosis 2. Last evaluated: 2025-05-19. Review status: criteria provided, single submitter. Criteria: Myriad Autosomal Dominant, Autosomal Recessive and X-Linked Classification Criteria (2023). Collection method: clinical testing. Allele origin: unknown.
Comment: This variant is considered likely benign. This variant is intronic and is not expected to impact mRNA splicing.

Labcorp Genetics (formerly Invitae), Labcorp
Classification: Likely benign for Tuberous sclerosis 2. Last evaluated: 2024-07-22. Review status: criteria provided, single submitter. Criteria: Invitae Variant Classification Sherloc (09022015). Collection method: clinical testing. Allele origin: germline.

All of Us Research Program, National Institutes of Health
Classification: Likely benign for Tuberous sclerosis syndrome. Last evaluated: 2023-09-17. Review status: criteria provided, single submitter. Criteria: ACMG Guidelines, 2015. Collection method: clinical testing. Allele origin: germline. Inheritance: Autosomal dominant inheritance. Observed: 1 variant allele, 1 heterozygote.
Comment: This study involves interpretation of variants in research participants for the purpose of population health screening. Participant phenotype was not available at the time of variant classification. Additional details can be found in publication PMID: 35346344, PMCID: PMC8962531

NM_000548.5(TSC2):c.2221-14G>T

Gene: TSC2 (TSC complex subunit 2; plus strand). Cytogenetic location: 16p13.3.
Variant type: single nucleotide variant.
Coding change: c.2221-14G>T on transcript NM_000548.5 (MANE Select); 14 bases into the intron before coding-DNA position 2221, G replaced by T.
Molecular consequence: intron variant.
Genome position (GRCh38, 1-based): chr16:2,072,835, G>T. VCF-style: chr16-2072835-G-T. GRCh37 (hg19) VCF-style: chr16-2122836-G-T.
Other names: c.1621-14G>T (NM_001318831.2, NM_001406688.1, NM_001406686.1 and 6 more transcripts); c.2164-14G>T (NM_001406677.1); c.2074-14G>T (NM_001406675.1, NM_001406676.1, NM_001318829.2 and 1 more transcripts); c.2254-14G>T (NM_001318832.2); c.877-14G>T (NM_001406693.1, NM_001406689.1, NM_001406690.1 and 6 more transcripts); c.2311-14G>T (NM_001406667.1, NM_001406668.1); c.619-14G>T (NM_001406698.1); c.2221-14G>T (NM_001114382.3, NM_001406663.1, NM_001406664.1 and 6 more transcripts); and 3 more.
Identifiers: ClinVar variation 2747158 (VCV002747158.5), dbSNP rs763473889, ClinGen allele CA718910208.